The following is an entry in ClinVar:

ClinVar aggregate classification (germline): Uncertain significance (1 of 4 stars; one submission).

Conditions:
CRYAB-related disorder. Also called: CRYAB-related condition.

Submission:

3billion
Classification: Uncertain significance for CRYAB-related disorder. Last evaluated: 2025-06-11. Review status: criteria provided, single submitter. Criteria: ACMG Guidelines, 2015. Collection method: clinical testing. Allele origin: germline. Affected: yes.
Comment: The variant is not observed in the gnomAD v4.1.0 dataset. Predicted Consequence/Location: Stop-gained (nonsense): predicted to result in a loss or disruption of normal protein function through protein truncation. The predicted truncated protein may be shortened by more than 10%. Therefore, this variant is classified as VUS according to the recommendation of ACMG/AMP guideline.

NM_001289808.2(CRYAB):c.366C>A (p.Tyr122Ter)

Gene: CRYAB (crystallin alpha B; minus strand). Cytogenetic location: 11q23.1.
Variant type: single nucleotide variant.
Coding change: c.366C>A on transcript NM_001289808.2 (MANE Select); coding-DNA position 366, C replaced by A.
Protein change: p.Tyr122Ter; replaces tyrosine 122 with a stop codon.
Molecular consequence: nonsense.
Genome position (GRCh38, 1-based): chr11:111,908,926, G>T on the plus strand (C>A on the coding strand, the complement: CRYAB is on the minus strand). VCF-style: chr11-111908926-G-T. GRCh37 (hg19) VCF-style: chr11-111779650-G-T.
Other names: c.366C>A, p.Tyr122Ter (NM_001289807.1, NM_001368245.1, NM_001885.3); c.165C>A, p.Tyr55Ter (NM_001330379.1, NM_001368246.1); short protein forms Y122*, Y55*.
Identifiers: ClinVar variation 4855943 (VCV004855943.1).